The following is an entry in ClinVar:

NM_152564.5(VPS13B):c.11934G>C (p.Gln3978His)

Gene: VPS13B (vacuolar protein sorting 13 homolog B; plus strand). Cytogenetic location: 8q22.2.
Variant type: single nucleotide variant.
Coding change: c.11934G>C on transcript NM_152564.5 (MANE Select); coding-DNA position 11934, G replaced by C.
Protein change: p.Gln3978His; replaces glutamine 3978 with histidine.
Molecular consequence: missense variant.
Genome position (GRCh38, 1-based): chr8:99,875,606, G>C. VCF-style: chr8-99875606-G-C. GRCh37 (hg19) VCF-style: chr8-100887834-G-C.
Other names: c.11934G>C (NM_152564.4); c.12009G>C, p.Gln4003His (NM_017890.5); short protein forms Q4003H, Q3978H.
Identifiers: ClinVar variation 1401066 (VCV001401066.9), dbSNP rs1012733827, ClinGen allele CA182335469.

ClinVar aggregate classification (germline): Uncertain significance. Review status: criteria provided, multiple submitters, no conflicts (2 of 4 stars). 3 submissions from 3 submitters: Uncertain significance (3). Last evaluated 2025-04-14.

Conditions:
Cohen syndrome (COH1). Also called: Cutis verticis gyrata, retinitis pigmentosa, and sensorineural deafness; PEPPER SYNDROME. Identifiers: Orphanet 193, MedGen C0265223, MONDO:0008999, OMIM 216550.
VPS13B-related disorder. Also called: VPS13B-related condition.
Inborn genetic diseases. Identifiers: MedGen C0950123, MeSH D030342.

Allele frequency attached by ClinVar (database versions not stated): gnomAD exomes below 0.00001; TOPMed 0.00001.
gnomAD v4.1: 2 of 1,614,128 alleles (0.00012%); highest among the groups gnomAD compares: Admixed American, 0.0033%; no homozygotes.

Submissions (3):

PreventionGenetics, part of Exact Sciences
Classification: Uncertain significance for VPS13B-related condition. Last evaluated: 2025-04-14. Review status: criteria provided, single submitter. Criteria: ACMG Guidelines, 2015. Collection method: clinical testing. Allele origin: germline.
Comment: The VPS13B c.11934G>C variant is predicted to result in the amino acid substitution p.Gln3978His. To our knowledge, this variant has not been reported in the literature or in a large population database, indicating this variant is rare. At this time, the clinical significance of this variant is uncertain due to the absence of conclusive functional and genetic evidence.

Labcorp Genetics (formerly Invitae), Labcorp
Classification: Uncertain significance for Cohen syndrome. Last evaluated: 2023-11-27. Review status: criteria provided, single submitter. Criteria: Invitae Variant Classification Sherloc (09022015). Collection method: clinical testing. Allele origin: germline.
Comment: This sequence change replaces glutamine, which is neutral and polar, with histidine, which is basic and polar, at codon 4003 of the VPS13B protein (p.Gln4003His). This variant is not present in population databases (gnomAD no frequency). This variant has not been reported in the literature in individuals affected with VPS13B-related conditions. ClinVar contains an entry for this variant (Variation ID: 1401066). Advanced modeling of protein sequence and biophysical properties (such as structural, functional, and spatial information, amino acid conservation, physicochemical variation, residue mobility, and thermodynamic stability) performed at Invitae indicates that this missense variant is not expected to disrupt VPS13B protein function with a negative predictive value of 80%. In summary, the available evidence is currently insufficient to determine the role of this variant in disease. Therefore, it has been classified as a Variant of Uncertain Significance.

Ambry Genetics
Classification: Uncertain significance for Inborn genetic diseases. Last evaluated: 2017-11-29. Review status: criteria provided, single submitter. Criteria: Ambry Variant Classification Scheme 2023. Collection method: clinical testing. Allele origin: germline.
Comment: The p.Q4003H variant (also known as c.12009G>C), located in coding exon 61 of the VPS13B gene, results from a G to C substitution at nucleotide position 12009. The glutamine at codon 4003 is replaced by histidine, an amino acid with highly similar properties. This amino acid position is not well conserved in available vertebrate species. In addition, this alteration is predicted to be tolerated by in silico analysis. Since supporting evidence is limited at this time, the clinical significance of this alteration remains unclear.